The following is an entry in ClinVar:

NM_001370959.1(POU6F2):c.1529T>C (p.Leu510Pro)

Gene: POU6F2 (POU class 6 homeobox 2; plus strand). Cytogenetic location: 7p14.1.
Variant type: single nucleotide variant.
Coding change: c.1529T>C on transcript NM_001370959.1 (MANE Select); coding-DNA position 1529, T replaced by C.
Protein change: p.Leu510Pro; replaces leucine 510 with proline.
Molecular consequence: missense variant.
Genome position (GRCh38, 1-based): chr7:39,460,586, T>C. VCF-style: chr7-39460586-T-C. GRCh37 (hg19) VCF-style: chr7-39500185-T-C.
Other names: c.1442T>C, p.Leu481Pro (NM_001166018.2, NM_007252.4); short protein forms L481P, L510P.
Identifiers: ClinVar variation 2657395 (VCV002657395.24), dbSNP rs2535486043, ClinGen allele CA367300201.

ClinVar aggregate classification (germline): Uncertain significance (1 of 4 stars; one submission).

Submission:

CeGaT Center for Human Genetics Tuebingen
Classification: Uncertain significance. Last evaluated: 2023-06-01. Review status: criteria provided, single submitter. Criteria: CeGaT Center For Human Genetics Tuebingen Variant Classification Criteria Version 2. Collection method: clinical testing. Allele origin: germline. Affected: yes. Observed: 1 variant allele.
Comment: POU6F2: PM2, PP3, PS2:Supporting